The following is an entry in ClinVar:

ClinVar aggregate classification (germline): Uncertain significance. Review status: criteria provided, multiple submitters, no conflicts (2 of 4 stars). 2 submissions from 2 submitters: Uncertain significance (2). Last evaluated 2025-05-06.

Allele frequency attached by ClinVar (database versions not stated): ExAC 0.00001; gnomAD exomes 0.00001; TOPMed 0.00003.
gnomAD v4.1: 6 of 1,187,590 alleles (0.00051%); highest among the groups gnomAD compares: Non-Finnish European, 0.00068%; no homozygotes.

Submissions (2):

Women's Health and Genetics/Laboratory Corporation of America, LabCorp
Classification: Uncertain significance. Last evaluated: 2025-05-06. Review status: criteria provided, single submitter. Criteria: LabCorp Variant Classification Summary - May 2015. Collection method: clinical testing. Allele origin: germline.
Comment: Variant summary: POLA1 c.3765A>C (p.Glu1255Asp) results in a conservative amino acid change in the encoded protein sequence. Algorithms developed to predict the effect of missense changes on protein structure and function are either unavailable or do not agree on the potential impact of this missense change. The variant allele was found at a frequency of 5.9e-06 in 169396 control chromosomes. The available data on variant occurrences in the general population are insufficient to allow any conclusion about variant significance. To our knowledge, no occurrence of c.3765A>C in individuals affected with X-linked reticulate pigmentary disorder and no experimental evidence demonstrating its impact on protein function have been reported. ClinVar contains an entry for this variant (Variation ID: 1939189). Based on the evidence outlined above, the variant was classified as uncertain significance.

Labcorp Genetics (formerly Invitae), Labcorp
Classification: Uncertain significance. Last evaluated: 2022-02-20. Review status: criteria provided, single submitter. Criteria: Invitae Variant Classification Sherloc (09022015). Collection method: clinical testing. Allele origin: germline.
Comment: In summary, the available evidence is currently insufficient to determine the role of this variant in disease. Therefore, it has been classified as a Variant of Uncertain Significance. Algorithms developed to predict the effect of missense changes on protein structure and function (SIFT, PolyPhen-2, Align-GVGD) all suggest that this variant is likely to be tolerated. This variant has not been reported in the literature in individuals affected with POLA1-related conditions. This variant is not present in population databases (gnomAD no frequency). This sequence change replaces glutamic acid, which is acidic and polar, with aspartic acid, which is acidic and polar, at codon 1255 of the POLA1 protein (p.Glu1255Asp).

NM_001330360.2(POLA1):c.3783A>C (p.Glu1261Asp)

Gene: POLA1 (DNA polymerase alpha 1, catalytic subunit; plus strand). Cytogenetic location: Xp22.11.
Variant type: single nucleotide variant.
Coding change: c.3783A>C on transcript NM_001330360.2 (MANE Select); coding-DNA position 3783, A replaced by C.
Protein change: p.Glu1261Asp; replaces glutamic acid 1261 with aspartic acid.
Molecular consequence: missense variant. On other transcripts: non-coding transcript variant (2).
Genome position (GRCh38, 1-based): chrX:24,841,698, A>C. VCF-style: chrX-24841698-A-C. GRCh37 (hg19) VCF-style: chrX-24859815-A-C.
Other names: c.3708A>C, p.Glu1236Asp (NM_001378303.1); c.3765A>C, p.Glu1255Asp (NM_016937.4); short protein forms E1255D, E1261D, E1236D.
Identifiers: ClinVar variation 1939189 (VCV001939189.6), dbSNP rs748187483, ClinGen allele CA10373615.